The following is an entry in ClinVar:

ClinVar aggregate classification (germline): Likely benign (1 of 4 stars; one submission).

Allele frequency attached by ClinVar (database versions not stated): gnomAD exomes 0.00001; ExAC 0.00003.

Submission:

CeGaT Center for Human Genetics Tuebingen
Classification: Likely benign. Last evaluated: 2023-01-01. Review status: criteria provided, single submitter. Criteria: CeGaT Center For Human Genetics Tuebingen Variant Classification Criteria Version 2. Collection method: clinical testing. Allele origin: germline. Affected: yes. Observed: 1 variant allele.
Comment: ZNF816: BP4, BP7

NM_001202457.3(ZNF816):c.1143A>G (p.Lys381=)

Genes: ZNF816 (zinc finger protein 816; minus strand), ZNF816-ZNF321P (ZNF816-ZNF321P readthrough; minus strand). Cytogenetic location: 19q13.41.
Variant type: single nucleotide variant.
Coding change: c.1143A>G on transcript NM_001202457.3 (MANE Select); coding-DNA position 1143, A replaced by G.
Protein change: p.Lys381=; no amino-acid change (lysine 381 retained).
Molecular consequence: synonymous variant. On other transcripts: intron variant (1).
Genome position (GRCh38, 1-based): chr19:52,950,632, T>C on the plus strand (A>G on the coding strand, the complement: ZNF816 is on the minus strand). VCF-style: chr19-52950632-T-C. GRCh37 (hg19) VCF-style: chr19-53453885-T-C.
Other names: c.1143A>G, p.Lys381= (NM_001031665.4, NM_001202456.3); c.190+2119A>G (NM_001202473.2).
Identifiers: ClinVar variation 2650402 (VCV002650402.24), dbSNP rs759357555, ClinGen allele CA9629658.
Genomic context (GRCh38, chr19:52,950,632, plus strand): 5'-TTCTTCACATTTGTAAGGTTTCTCTCCAGTGTGAAGTATATGATGGCATTGAAGGGATGA[T>C]TTCTGACTGAAGGTCTTGCCACACTCATTACACTTGTAAGGTTTCTCTCCAGTATGAATT-3'
Protein context (NP_001189386.1, residues 371-391): CNECGKTFSQ[Lys381=]SSLQCHHILH